The following is an entry in ClinVar:

ClinVar aggregate classification (germline): Pathogenic (1 of 4 stars; one submission).

Conditions:
Familial cancer of breast. Also called: Hereditary breast cancer; BREAST CANCER, FAMILIAL; hereditary breast carcinoma. Identifiers: Orphanet 227535, MedGen C0346153, MONDO:0016419, OMIM 114480. Disease mechanism: loss of function.

Submission:

Myriad Genetics, Inc.
Classification: Pathogenic for Familial cancer of breast. Last evaluated: 2023-06-05. Review status: criteria provided, single submitter. Criteria: Myriad Autosomal Dominant, Autosomal Recessive and X-Linked Classification Criteria (2023). Collection method: clinical testing. Allele origin: unknown.
Comment: This variant is considered pathogenic. This variant creates a frameshift predicted to result in premature protein truncation.

NM_032043.3(BRIP1):c.1734dup (p.Arg579fs)

Gene: BRIP1 (BRCA1 interacting DNA helicase 1; minus strand). Cytogenetic location: 17q23.2.
Variant type: Duplication.
Coding change: c.1734dup on transcript NM_032043.3 (MANE Select); coding-DNA position 1734, one base duplicated (A; older notation c.1734dupA).
Protein change: p.Arg579fs; shifts the reading frame from arginine 579.
Molecular consequence: frameshift variant.
Genome position (GRCh38, 1-based): chr17:61,780,900, T duplicated on the plus strand (A on the coding strand, the reverse complement: BRIP1 is on the minus strand); the first of 3 consecutive T bases (chr17:61,780,900-61,780,902); duplicating any one gives the same sequence. VCF-style (leftmost placement, unchanged base first): chr17-61780899-G-GT. GRCh37 (hg19) VCF-style: chr17-59858260-G-GT.
Other names: short protein forms R579fs.
Identifiers: ClinVar variation 2583223 (VCV002583223.2), dbSNP rs2545028503, ClinGen allele CA2582342278.